The following is an entry in ClinVar:

ClinVar aggregate classification (germline): Pathogenic (0 of 4 stars; one submission).

Conditions:
Hereditary spastic paraplegia 47. Also called: CEREBRAL PALSY, SPASTIC QUADRIPLEGIC, 5; adaptor protein 4 (AP-4) deficiency syndrome; Spastic paraplegia 47, autosomal recessive. Identifiers: Orphanet 280763, MedGen C3279738, MONDO:0013551, OMIM 614066.

Submission:

Hong-Tao Li Lab, Institute of Brain Science and Brain-inspired Research, Shandong First Medical University & Shandong Academy of Medical Sciences China
Classification: Pathogenic for Hereditary spastic paraplegia 47. Review status: no assertion criteria provided. Collection method: research. Allele origin: germline. Inheritance: Autosomal recessive inheritance. Affected: yes. Observed: 1 variant allele, 1 homozygote.
Comment: Observed in affected individuals from a Pakistani neurodevelopmental-disorder research cohort of 263 individuals. Classification assigned using the ACMG/AMP framework.

NM_001253852.3(AP4B1):c.1A>T (p.Met1Leu)

Genes: AP4B1 (adaptor related protein complex 4 subunit beta 1; minus strand), DCLRE1B (DNA cross-link repair 1B; plus strand), LOC129931235 (ATAC-STARR-seq lymphoblastoid active region 1540; plus strand). Cytogenetic location: 1p13.2.
Variant type: single nucleotide variant.
Coding change: c.1A>T on transcript NM_001253852.3 (MANE Select); coding-DNA position 1, A replaced by T.
Protein change: p.Met1Leu; changes the start codon (methionine 1).
Molecular consequence: missense variant, initiator codon variant. On other transcripts: 5 prime UTR variant (1), intron variant (1).
Genome position (GRCh38, 1-based): chr1:113,904,717, T>A on the plus strand (A>T on the coding strand, the complement: AP4B1 is on the minus strand). VCF-style: chr1-113904717-T-A. GRCh37 (hg19) VCF-style: chr1-114447339-T-A.
Other names: c.-169A>T (NM_001253853.3); c.1A>T, p.Met1Leu (NM_001308312.2, NM_001437822.1, NM_001438373.1 and 7 more transcripts); c.-331+9T>A (NM_001319947.2); short protein forms M1L.
Identifiers: ClinVar variation 4884795 (VCV004884795.1).